The following is an entry in ClinVar:

NM_004822.3(NTN1):c.725T>C (p.Val242Ala)

Gene: NTN1 (netrin 1; plus strand). Cytogenetic location: 17p13.1.
Variant type: single nucleotide variant.
Coding change: c.725T>C on transcript NM_004822.3 (MANE Select); coding-DNA position 725, T replaced by C.
Protein change: p.Val242Ala; replaces valine 242 with alanine.
Molecular consequence: missense variant.
Genome position (GRCh38, 1-based): chr17:9,023,098, T>C. VCF-style: chr17-9023098-T-C. GRCh37 (hg19) VCF-style: chr17-8926415-T-C.
Other names: short protein forms V242A.
Identifiers: ClinVar variation 2575902 (VCV002575902.2), dbSNP rs2091858467, ClinGen allele CA398234346.

ClinVar aggregate classification (germline): Uncertain significance (1 of 4 stars; one submission).

Conditions:
Orofacial cleft 1 (OFC1). Also called: Nonsyndromic Cleft Lip/Palate; CLEFT LIP WITH OR WITHOUT CLEFT PALATE, NONSYNDROMIC, 1; OROFACIAL CLEFT, NONSYNDROMIC. Identifiers: MedGen C1861537, MeSH C566121, MONDO:0007335, OMIM 119530.

Submission:

Grupo de Genetica Humana, Facultad de Medicina - Universidad de La Sabana
Classification: Uncertain significance for Orofacial cleft 1. Last evaluated: 2022-11-22. Review status: criteria provided, single submitter. Criteria: ACMG Guidelines, 2015. Collection method: research. Allele origin: germline. Affected: yes and no. Observed: 4 variant alleles.
Comment: This variant is located in the NTN1 gene, which encodes Netrin 1, a protein taking part in neurogenesis and inner ear morphogenesis. Genome-wide significant variants have been described within this gene in connection with non-syndromic orofacial cleft and reports confirm the association of this gene in Latin-American populations

Literature cited by the submitters: DOI:10.1007/S00439-013-1283-6; DOI:10.1111/CGE.13246.